The following is an entry in ClinVar:

ClinVar aggregate classification (germline): Pathogenic. Review status: reviewed by expert panel (3 of 4 stars). 7 submissions from 7 submitters: Pathogenic (1). 6 of the submissions do not count toward it. Last evaluated 2016-09-08.

Conditions:
Hereditary cancer-predisposing syndrome. Also called: Neoplastic Syndromes, Hereditary; Tumor predisposition; Hereditary Cancer Syndrome; Hereditary neoplastic syndrome. Identifiers: Orphanet 140162, MedGen C0027672, MeSH D009386, MONDO:0015356.
Hereditary breast ovarian cancer syndrome. Also called: Hereditary breast and ovarian cancer syndrome; Hereditary breast and ovarian cancer; Hereditary breast and ovarian cancer syndrome (HBOC); Breast and ovarian cancer; Hereditary breast and/or ovarian cancer syndrome; BRCA1- and BRCA2-Associated Hereditary Breast and Ovarian Cancer. Identifiers: Orphanet 145, MedGen C0677776, MeSH D061325, MONDO:0003582. Disease mechanism: loss of function.
Breast-ovarian cancer, familial, susceptibility to, 2 (BROVCA2). Also called: BRCA2 Hereditary Breast and Ovarian Cancer. Identifiers: Orphanet 145, MedGen C2675520, MONDO:0012933, OMIM 612555. Disease mechanism: loss of function.

Allele frequency attached by ClinVar (database versions not stated): TOPMed below 0.00001.

Submissions (7):

Evidence-based Network for the Interpretation of Germline Mutant Alleles (ENIGMA)
Classification: Pathogenic for Breast-ovarian cancer, familial, susceptibility to, 2. Last evaluated: 2016-09-08. Review status: reviewed by expert panel. Criteria: ENIGMA BRCA1/2 Classification Criteria (2015). Collection method: curation. Allele origin: germline.
Comment: Variant allele predicted to encode a truncated non-functional protein.

Labcorp Genetics (formerly Invitae), Labcorp
Classification: Pathogenic for Hereditary breast ovarian cancer syndrome. Last evaluated: 2025-12-04. Review status: criteria provided, single submitter. Criteria: Invitae Variant Classification Sherloc (09022015). Collection method: clinical testing. Allele origin: germline. Not counted in ClinVar's aggregate classification.
Comment: This sequence change creates a premature translational stop signal (p.Thr544Serfs*15) in the BRCA2 gene. It is expected to result in an absent or disrupted protein product. Loss-of-function variants in BRCA2 are known to be pathogenic (PMID: 20104584). This variant is not present in population databases (gnomAD no frequency). This variant has not been reported in the literature in individuals affected with BRCA2-related conditions. ClinVar contains an entry for this variant (Variation ID: 51161). For these reasons, this variant has been classified as Pathogenic.

GeneDx
Classification: Pathogenic. Last evaluated: 2024-10-25. Review status: criteria provided, single submitter. Criteria: GeneDx Variant Classification Process June 2021. Collection method: clinical testing. Allele origin: germline. Affected: yes. Not counted in ClinVar's aggregate classification.
Comment: Frameshift variant predicted to result in protein truncation or nonsense mediated decay in a gene for which loss of function is a known mechanism of disease; Not observed at significant frequency in large population cohorts (gnomAD); Truncating variants in this gene are considered pathogenic by a well-established clinical consortium and/or database; Also known as 1750_1751delCT; This variant is associated with the following publications: (PMID: 34196900, 38538877)

Ambry Genetics
Classification: Pathogenic for Hereditary cancer-predisposing syndrome. Last evaluated: 2024-05-09. Review status: criteria provided, single submitter. Criteria: Ambry Variant Classification Scheme 2023. Collection method: clinical testing. Allele origin: germline. Not counted in ClinVar's aggregate classification.
Comment: The c.1631_1632delCT pathogenic mutation, located in coding exon 9 of the BRCA2 gene, results from a deletion of two nucleotides at nucleotide positions 1631 to 1632, causing a translational frameshift with a predicted alternate stop codon (p.T544Sfs*15). This variant is considered to be rare based on population cohorts in the Genome Aggregation Database (gnomAD). This alteration is expected to result in loss of function by premature protein truncation or nonsense-mediated mRNA decay. As such, this alteration is interpreted as a disease-causing mutation.

Color Diagnostics, LLC DBA Color Health
Classification: Pathogenic for Hereditary cancer-predisposing syndrome. Last evaluated: 2022-03-28. Review status: criteria provided, single submitter. Criteria: ACMG Guidelines, 2015. Collection method: clinical testing. Allele origin: germline. Not counted in ClinVar's aggregate classification.
Comment: This variant deletes 2 nucleotides in exon 10 of the BRCA2 gene, creating a frameshift and premature translation stop signal. This variant is expected to result in an absent or non-functional protein product. This variant has not been identified in the general population by the Genome Aggregation Database (gnomAD). Loss of BRCA2 function is a known mechanism of disease. Based on the available evidence, this variant is classified as Pathogenic.

Quest Diagnostics Nichols Institute San Juan Capistrano
Classification: Pathogenic. Last evaluated: 2020-12-18. Review status: criteria provided, single submitter. Criteria: Quest Diagnostics criteria. Collection method: clinical testing. Allele origin: unknown. Not counted in ClinVar's aggregate classification.
Comment: This frameshift variant causes the premature termination of BRCA2 protein synthesis. This variant has not been reported in large, multi-ethnic general populations. Based on the available information, the variant is classified as pathogenic.

Breast Cancer Information Core (BIC) (BRCA2)
Classification: Pathogenic for Breast-ovarian cancer, familial 2. Last evaluated: 2001-10-29. Review status: no assertion criteria provided. Collection method: clinical testing. Allele origin: germline. Affected: yes. Observed: 1 variant allele. Not counted in ClinVar's aggregate classification.

Literature cited by the submitters: PubMed 20104584 (cited by Labcorp Genetics (formerly Invitae), Labcorp); PubMed 26295337 (cited by Quest Diagnostics Nichols Institute San Juan Capistrano).

NM_000059.4(BRCA2):c.1631_1632del (p.Thr544fs)

Gene: BRCA2 (BRCA2 DNA repair associated; plus strand). Cytogenetic location: 13q13.1.
Variant type: Deletion.
Coding change: c.1631_1632del on transcript NM_000059.4 (MANE Select); coding-DNA positions 1631 to 1632, 2 bases deleted (CT; older notation c.1631_1632delCT).
Protein change: p.Thr544fs; shifts the reading frame from threonine 544.
Molecular consequence: frameshift variant.
Genome position (GRCh38, 1-based): chr13:32,333,109-32,333,110, CT deleted. VCF-style (leftmost placement, unchanged base first): chr13-32333108-ACT-A. GRCh37 (hg19) VCF-style: chr13-32907245-ACT-A.
Other names: 1859delCT; c.1631_1632delCT (NM_000059.3).
Identifiers: ClinVar variation 51161 (VCV000051161.22), dbSNP rs80359295, ClinGen allele CA012690.
Genomic context (GRCh38, chr13:32,333,108, plus strand): 5'-ATGACTGATCCAAACTTTAAAAAAGAAACTGAAGCCTCTGAAAGTGGACTGGAAATACAT[ACT>A]GTTTGCTCACAGAAGGAGGACTCCTTATGTCCAAATTTAATTGATAATGGAAGCTGGCCA-3'